The following is an entry in ClinVar:

NM_031276.3(TEX11):c.38-7A>C

Gene: TEX11 (testis expressed 11; minus strand). Cytogenetic location: Xq13.1.
Variant type: single nucleotide variant.
Coding change: c.38-7A>C on transcript NM_031276.3 (MANE Select); 7 bases into the intron before coding-DNA position 38, A replaced by C.
Molecular consequence: intron variant.
Genome position (GRCh38, 1-based): chrX:70,880,116, T>G on the plus strand (A>C on the coding strand, the complement: TEX11 is on the minus strand). VCF-style: chrX-70880116-T-G. GRCh37 (hg19) VCF-style: chrX-70099966-T-G.
Other names: c.83-7A>C (NM_001003811.2).
Identifiers: ClinVar variation 3056289 (VCV003056289.2), dbSNP rs372962201, ClinGen allele CA10442979.

ClinVar aggregate classification (germline): Likely benign (0 of 4 stars; one submission).

Conditions:
TEX11-related disorder. Also called: TEX11-related condition.

Allele frequency attached by ClinVar (database versions not stated): gnomAD exomes 0.00009; ExAC 0.00038; 1000 Genomes Project 30x 0.00042; 1000 Genomes Project 0.00053; gnomAD 0.00088; TOPMed 0.00108; ESP Exome Variant Server 0.00180.
gnomAD v4.1: 194 of 1,163,803 alleles (0.017%); highest among the groups gnomAD compares: African/African-American, 0.31%; no homozygotes.

Submission:

PreventionGenetics, part of Exact Sciences
Classification: Likely benign for TEX11-related condition. Last evaluated: 2019-05-02. Review status: no assertion criteria provided. Collection method: clinical testing. Allele origin: germline.
Comment: This variant is classified as likely benign based on ACMG/AMP sequence variant interpretation guidelines (Richards et al. 2015 PMID: 25741868, with internal and published modifications).